The following is an entry in ClinVar:

NC_000009.11:g.(?_130587100)_(130591583_?)del

Gene: ENG (endoglin; minus strand). Cytogenetic location: 9q34.11.
Variant type: Deletion.
Identifiers: ClinVar variation 3245086 (VCV003245086.1).

ClinVar aggregate classification (germline): Pathogenic (1 of 4 stars; one submission).

Conditions:
Hereditary hemorrhagic telangiectasia (HHT). Also called: ORW DISEASE; Osler Weber Rendu syndrome; OSLER-RENDU-WEBER DISEASE; Osler hemorrhagic telangiectasia syndrome. Identifiers: Orphanet 774, MedGen C0039445, MONDO:0019180. Disease mechanism: loss of function.

Submission:

Labcorp Genetics (formerly Invitae), Labcorp
Classification: Pathogenic for Hereditary hemorrhagic telangiectasia. Last evaluated: 2023-03-07. Review status: criteria provided, single submitter. Criteria: Invitae Variant Classification Sherloc (09022015). Collection method: clinical testing. Allele origin: unknown.
Comment: For these reasons, this variant has been classified as Pathogenic. This variant disrupts a region of the ENG protein in which other variant(s) (p.Leu221Pro) have been determined to be pathogenic (PMID: 10545596, 11440987, 15712270, 15880681, 16690726, 18498373, 21158752, 22991266). This suggests that this is a clinically significant region of the protein, and that variants that disrupt it are likely to be disease-causing. This variant has not been reported in the literature in individuals affected with ENG-related conditions. This variant results in the deletion of exon 4-6 and part of exon 7 (c.360+383_970del) of the ENG gene. It is expected to disrupt RNA splicing. Variants that disrupt the donor or acceptor splice site typically lead to a loss of protein function (PMID: 16199547), and loss-of-function variants in ENG are known to be pathogenic (PMID: 15879500).

Literature cited by the submitters: PubMed 10545596; PubMed 11440987; PubMed 15712270; PubMed 15880681; PubMed 16690726; PubMed 18498373; PubMed 21158752; PubMed 22991266; PubMed 16199547; PubMed 15879500.